The following is an entry in ClinVar:

ClinVar aggregate classification (germline): Uncertain significance. Review status: criteria provided, multiple submitters, no conflicts (2 of 4 stars). 2 submissions from 2 submitters: Uncertain significance (2). Last evaluated 2026-02-03.

Conditions:
PKHD1L1-related disorder. Also called: PKHD1L1-related condition.

Allele frequency attached by ClinVar (database versions not stated): gnomAD 0.00001; TOPMed 0.00001; gnomAD exomes 0.00004; ExAC 0.00005.
gnomAD v4.1: 61 of 1,588,776 alleles (0.0038%); highest among the groups gnomAD compares: Middle Eastern, 0.22%; no homozygotes.

Submissions (2):

PreventionGenetics, part of Exact Sciences
Classification: Uncertain significance for PKHD1L1-related condition. Last evaluated: 2026-02-03. Review status: criteria provided, single submitter. Criteria: ACMG Guidelines, 2015. Collection method: clinical testing. Allele origin: germline.
Comment: The PKHD1L1 c.1992A>T variant is predicted to result in the amino acid substitution p.Glu664Asp. To our knowledge, this variant has not been reported in the literature. This variant is reported in 0.036% of alleles in individuals of South Asian descent in gnomAD. At this time, the clinical significance of this variant is uncertain due to the absence of conclusive functional and genetic evidence.

Ambry Genetics
Classification: Uncertain significance. Last evaluated: 2022-01-26. Review status: criteria provided, single submitter. Criteria: Ambry Variant Classification Scheme 2023. Collection method: clinical testing. Allele origin: germline.

NM_177531.6(PKHD1L1):c.1992A>T (p.Glu664Asp)

Gene: PKHD1L1 (PKHD1 like 1; plus strand). Cytogenetic location: 8q23.1.
Variant type: single nucleotide variant.
Coding change: c.1992A>T on transcript NM_177531.6 (MANE Select); coding-DNA position 1992, A replaced by T.
Protein change: p.Glu664Asp; replaces glutamic acid 664 with aspartic acid.
Molecular consequence: missense variant.
Genome position (GRCh38, 1-based): chr8:109,409,885, A>T. VCF-style: chr8-109409885-A-T. GRCh37 (hg19) VCF-style: chr8-110422114-A-T.
Other names: short protein forms E664D.
Identifiers: ClinVar variation 2376391 (VCV002376391.3), dbSNP rs765056045, ClinGen allele CA4844284.